The following is an entry in ClinVar:

NM_016628.5(WAC):c.1556+2T>G

Gene: WAC (WW domain containing adaptor with coiled-coil; plus strand). Cytogenetic location: 10p12.1.
Variant type: single nucleotide variant.
Coding change: c.1556+2T>G on transcript NM_016628.5 (MANE Select); the canonical splice donor site of the intron after coding-DNA position 1556, T replaced by G.
Molecular consequence: splice donor variant.
Genome position (GRCh38, 1-based): chr10:28,614,687, T>G. VCF-style: chr10-28614687-T-G. GRCh37 (hg19) VCF-style: chr10-28903616-T-G.
Other names: c.1421+2T>G (NM_100264.3); c.1247+2T>G (NM_100486.4).
Identifiers: ClinVar variation 949679 (VCV000949679.8), dbSNP rs1841399401, ClinGen allele CA376404899.

ClinVar aggregate classification (germline): Likely pathogenic (1 of 4 stars; one submission).

Submission:

Labcorp Genetics (formerly Invitae), Labcorp
Classification: Likely pathogenic. Last evaluated: 2019-08-13. Review status: criteria provided, single submitter. Criteria: Invitae Variant Classification Sherloc (09022015). Collection method: clinical testing. Allele origin: germline.
Comment: In summary, the currently available evidence indicates that the variant is pathogenic, but additional data are needed to prove that conclusively. Therefore, this variant has been classified as Likely Pathogenic. Donor and acceptor splice site variants typically lead to a loss of protein function (PMID: 16199547), and loss-of-function variants in WAC are known to be pathogenic (PMID: 26264232, 26757981). This variant has not been reported in the literature in individuals with WAC-related conditions. This variant is not present in population databases (ExAC no frequency). This sequence change affects a donor splice site in intron 11 of the WAC gene. It is expected to disrupt RNA splicing and likely results in an absent or disrupted protein product.

Literature cited by the submitters: PubMed 16199547; PubMed 26264232; PubMed 26757981.